The following is an entry in ClinVar:

ClinVar aggregate classification (germline): Uncertain significance (1 of 4 stars; one submission).

Conditions:
Long QT syndrome (LQTS). Identifiers: MedGen C0023976, MeSH D008133, MONDO:0002442. Disease mechanism: loss of function. Inheritance: Various modes of inheritance.

gnomAD v4.1: 3 of 1,613,540 alleles (0.00019%); highest among the groups gnomAD compares: Non-Finnish European, 0.00025%; no homozygotes.

Submission:

Labcorp Genetics (formerly Invitae), Labcorp
Classification: Uncertain significance for Long QT syndrome. Last evaluated: 2022-04-13. Review status: criteria provided, single submitter. Criteria: Invitae Variant Classification Sherloc (09022015). Collection method: clinical testing. Allele origin: germline.
Comment: In summary, the available evidence is currently insufficient to determine the role of this variant in disease. Therefore, it has been classified as a Variant of Uncertain Significance. Algorithms developed to predict the effect of missense changes on protein structure and function (SIFT, PolyPhen-2, Align-GVGD) all suggest that this variant is likely to be tolerated. This variant has not been reported in the literature in individuals affected with CACNA1C-related conditions. This variant is present in population databases (no rsID available, gnomAD 0.007%). This sequence change replaces alanine, which is neutral and non-polar, with serine, which is neutral and polar, at codon 1774 of the CACNA1C protein (p.Ala1774Ser).

NM_000719.7(CACNA1C):c.5320G>T (p.Ala1774Ser)

Genes: CACNA1C (calcium voltage-gated channel subunit alpha1 C; plus strand), CACNA1C-AS1 (CACNA1C antisense RNA 1; minus strand). Cytogenetic location: 12p13.33.
Variant type: single nucleotide variant.
Coding change: c.5320G>T on transcript NM_000719.7 (MANE Select); coding-DNA position 5320, G replaced by T.
Protein change: p.Ala1774Ser; replaces alanine 1774 with serine.
Molecular consequence: missense variant.
Genome position (GRCh38, 1-based): chr12:2,679,672, G>T. VCF-style: chr12-2679672-G-T. GRCh37 (hg19) VCF-style: chr12-2788838-G-T.
Other names: c.5464G>T, p.Ala1822Ser (NM_001129827.2, NM_199460.4); c.5443G>T, p.Ala1815Ser (NM_001129829.2); c.5320G>T, p.Ala1774Ser (NM_001129830.3, NM_001129840.2, NM_001129841.2 and 4 more transcripts); c.5404G>T, p.Ala1802Ser (NM_001129831.2); c.5380G>T, p.Ala1794Ser (NM_001129832.2); c.5377G>T, p.Ala1793Ser (NM_001129833.2, NM_001129834.2, NM_001129835.2); c.5371G>T, p.Ala1791Ser (NM_001129836.2); c.5344G>T, p.Ala1782Ser (NM_001129837.2, NM_001129838.2); and 3 more; short protein forms A1763S, A1791S, A1780S, A1794S, A1802S, A1815S, A1822S, A1771S.
Identifiers: ClinVar variation 2125814 (VCV002125814.4), dbSNP rs767425352, ClinGen allele CA383378967.